The following is an entry in ClinVar:

ClinVar aggregate classification (germline): Benign. Review status: criteria provided, multiple submitters, no conflicts (2 of 4 stars). 4 submissions from 2 submitters: Benign (4). Last evaluated 2021-05-12.

Conditions:
Polydactyly. Also called: polydactylism. Identifiers: MedGen C0152427, MONDO:0021003, OMIM 603596, HP:0010442.
Greig cephalopolysyndactyly syndrome (GCPS). Also called: Greig syndrome; POLYSYNDACTYLY WITH PECULIAR SKULL SHAPE; GLI3-Related Greig Cephalopolysyndactyly Syndrome. Identifiers: Orphanet 380, MedGen C0265306, MONDO:0008287, OMIM 175700.
Pallister-Hall syndrome (PHS). Also called: HYPOTHALAMIC HAMARTOBLASTOMA, HYPOPITUITARISM, IMPERFORATE ANUS, AND POSTAXIAL POLYDACTYLY; GLI3-Related Pallister-Hall Syndrome. Identifiers: Orphanet 672, MedGen C0265220, MONDO:0007804, OMIM 146510.

Allele frequency attached by ClinVar (database versions not stated): gnomAD 0.01345 and 0.01463; 1000 Genomes Project 0.01418; 1000 Genomes Project 30x 0.01437; TOPMed 0.01581.

Submissions (4):

GeneDx
Classification: Benign. Last evaluated: 2021-05-12. Review status: criteria provided, single submitter. Criteria: GeneDx Variant Classification Process June 2021. Collection method: clinical testing. Allele origin: germline. Affected: yes.

Illumina Laboratory Services, Illumina
Classification: Benign for Polydactyly. Last evaluated: 2018-01-13. Review status: criteria provided, single submitter. Criteria: ICSL Variant Classification Criteria 13 December 2019. Collection method: clinical testing. Allele origin: germline.
Comment: This variant was observed in the ICSL laboratory as part of a predisposition screen in an ostensibly healthy population. It had not been previously curated by ICSL or reported in the Human Gene Mutation Database (HGMD: prior to June 1st, 2018), and was therefore a candidate for classification through an automated scoring system. Utilizing variant allele frequency, disease prevalence and penetrance estimates, and inheritance mode, an automated score was calculated to assess if this variant is too frequent to cause the disease. Based on the score and internal cut-off values, a variant classified as benign is not then subjected to further curation. The score for this variant resulted in a classification of benign for this disease.

Illumina Laboratory Services, Illumina
Classification: Benign for Pallister-Hall syndrome. Last evaluated: 2018-01-13. Review status: criteria provided, single submitter. Criteria: ICSL Variant Classification Criteria 13 December 2019. Collection method: clinical testing. Allele origin: germline.
Comment: the same text as in the submission from Illumina Laboratory Services, Illumina above.

Illumina Laboratory Services, Illumina
Classification: Benign for Greig cephalopolysyndactyly syndrome. Last evaluated: 2018-01-13. Review status: criteria provided, single submitter. Criteria: ICSL Variant Classification Criteria 13 December 2019. Collection method: clinical testing. Allele origin: germline.
Comment: the same text as in the submission from Illumina Laboratory Services, Illumina above.

NM_000168.5(GLI3):c.*3392G>T

Gene: GLI3 (GLI family zinc finger 3; minus strand). Cytogenetic location: 7p14.1.
Variant type: single nucleotide variant.
Coding change: c.*3392G>T on transcript NM_000168.5; 3392 bases downstream of the stop codon, G replaced by T.
Genome position (GRCh38, 1-based): chr7:41,960,938, C>A on the plus strand (G>T on the coding strand, the complement: GLI3 is on the minus strand). VCF-style: chr7-41960938-C-A. GRCh37 (hg19) VCF-style: chr7-42000536-C-A.
Identifiers: ClinVar variation 369588 (VCV000369588.8), dbSNP rs115519476, ClinGen allele CA10654712.
Genomic context (GRCh38, chr7:41,960,938, plus strand): 5'-AGGCTCTGGATGTTTTCAAAGAAAGCAATCTTTCCATTCAACTATGCATTTAATAAACAA[C>A]CCAATAAAAATTTCCATACAAAGAATTTTTTATTGACATTGTAAGAAACATTTTTTTTTC-3'